The following is an entry in ClinVar:

NM_001609.4(ACADSB):c.785C>T (p.Pro262Leu)

Gene: ACADSB (acyl-CoA dehydrogenase short/branched chain; plus strand). Cytogenetic location: 10q26.13.
Variant type: single nucleotide variant.
Coding change: c.785C>T on transcript NM_001609.4 (MANE Select); coding-DNA position 785, C replaced by T.
Protein change: p.Pro262Leu; replaces proline 262 with leucine.
Molecular consequence: missense variant.
Genome position (GRCh38, 1-based): chr10:123,043,149, C>T. VCF-style: chr10-123043149-C-T. GRCh37 (hg19) VCF-style: chr10-124802665-C-T.
Other names: c.479C>T, p.Pro160Leu (NM_001330174.3); short protein forms P160L, P262L.
Identifiers: ClinVar variation 2064005 (VCV002064005.3), dbSNP rs765678286, ClinGen allele CA5730804.

ClinVar aggregate classification (germline): Uncertain significance. Review status: criteria provided, multiple submitters, no conflicts (2 of 4 stars). 2 submissions from 2 submitters: Uncertain significance (2). Last evaluated 2025-02-25.

Conditions:
Deficiency of 2-methylbutyryl-CoA dehydrogenase (ACADSB). Also called: 2-methylbutyrylglycinuria; 2-methylbutyryl-CoA dehydrogenase deficiency; SBCAD deficiency; 2-methylbutyric aciduria; Short branched-chain acyl-CoA dehydrogenase deficiency. Identifiers: Orphanet 79157, MedGen C1864912, MONDO:0012392, OMIM 610006, HP:0020147.
Inborn genetic diseases. Identifiers: MedGen C0950123, MeSH D030342.

Allele frequency attached by ClinVar (database versions not stated): ExAC 0.00002; gnomAD 0.00008; TOPMed 0.00015.
gnomAD v4.1: 63 of 1,613,668 alleles (0.0039%); highest among the groups gnomAD compares: Admixed American, 0.023%; no homozygotes.

Submissions (2):

Labcorp Genetics (formerly Invitae), Labcorp
Classification: Uncertain significance for Deficiency of 2-methylbutyryl-CoA dehydrogenase. Last evaluated: 2025-02-25. Review status: criteria provided, single submitter. Criteria: Invitae Variant Classification Sherloc (09022015). Collection method: clinical testing. Allele origin: germline.
Comment: This sequence change replaces proline, which is neutral and non-polar, with leucine, which is neutral and non-polar, at codon 262 of the ACADSB protein (p.Pro262Leu). This variant is present in population databases (rs765678286, gnomAD 0.008%). This missense change has been observed in individual(s) with clinical features of short/branched chain acyl-CoA dehydrogenase deficiency (internal data). ClinVar contains an entry for this variant (Variation ID: 2064005). Invitae Evidence Modeling of protein sequence and biophysical properties (such as structural, functional, and spatial information, amino acid conservation, physicochemical variation, residue mobility, and thermodynamic stability) has been performed for this missense variant. However, the output from this modeling did not meet the statistical confidence thresholds required to predict the impact of this variant on ACADSB protein function. In summary, the available evidence is currently insufficient to determine the role of this variant in disease. Therefore, it has been classified as a Variant of Uncertain Significance.

Ambry Genetics
Classification: Uncertain significance for Inborn genetic diseases. Last evaluated: 2021-08-12. Review status: criteria provided, single submitter. Criteria: Ambry Variant Classification Scheme 2023. Collection method: clinical testing. Allele origin: germline.